The following is an entry in ClinVar:

NM_000116.5(TAFAZZIN):c.696A>G (p.Gly232=)

Gene: TAFAZZIN (tafazzin, phospholipid-lysophospholipid transacylase; plus strand). Cytogenetic location: Xq28.
Variant type: single nucleotide variant.
Coding change: c.696A>G on transcript NM_000116.5 (MANE Select); coding-DNA position 696, A replaced by G.
Protein change: p.Gly232=; no amino-acid change (glycine 232 retained).
Molecular consequence: synonymous variant. On other transcripts: non-coding transcript variant (1).
Genome position (GRCh38, 1-based): chrX:154,420,261, A>G. VCF-style: chrX-154420261-A-G. GRCh37 (hg19) VCF-style: chrX-153648600-A-G.
Other names: c.708A>G, p.Gly236= (NM_001303465.2); c.660A>G, p.Gly220= (NM_001410698.1); c.606A>G, p.Gly202= (NM_181311.4); c.654A>G, p.Gly218= (NM_181312.4); c.564A>G, p.Gly188= (NM_181313.4).
Identifiers: ClinVar variation 3679928 (VCV003679928.2).

ClinVar aggregate classification (germline): Conflicting classifications of pathogenicity. Review status: criteria provided, conflicting classifications (1 of 4 stars). 2 submissions from 2 submitters: Uncertain significance (1); Likely benign (1). Last evaluated 2024-10-12.

Conditions:
3-Methylglutaconic aciduria type 2 (BTHS). Also called: CARDIOSKELETAL MYOPATHY WITH NEUTROPENIA AND ABNORMAL MITOCHONDRIA; Barth syndrome. Identifiers: Orphanet 111, MedGen C0574083, MONDO:0010543, OMIM 302060.

Submissions (2):

Labcorp Genetics (formerly Invitae), Labcorp
Classification: Uncertain significance for 3-Methylglutaconic aciduria type 2. Last evaluated: 2024-10-12. Review status: criteria provided, single submitter. Criteria: Invitae Variant Classification Sherloc (09022015). Collection method: clinical testing. Allele origin: germline.
Comment: This sequence change affects codon 232 of the TAZ mRNA. It is a 'silent' change, meaning that it does not change the encoded amino acid sequence of the TAZ protein. This variant is present in population databases (rs782491717, gnomAD 0.001%). This variant has not been reported in the literature in individuals affected with TAZ-related conditions. Algorithms developed to predict the effect of sequence changes on RNA splicing suggest that this variant may disrupt the consensus splice site. In summary, the available evidence is currently insufficient to determine the role of this variant in disease. Therefore, it has been classified as a Variant of Uncertain Significance.

Blueprint Genetics
Classification: Likely benign. Last evaluated: 2022-12-30. Review status: criteria provided, single submitter. Criteria: ACMG Guidelines, 2015. Collection method: clinical testing. Allele origin: germline.